The following is an entry in ClinVar:

NM_000302.4(PLOD1):c.303C>T (p.Ser101=)

Gene: PLOD1 (procollagen-lysine,2-oxoglutarate 5-dioxygenase 1; plus strand). Cytogenetic location: 1p36.22.
Variant type: single nucleotide variant.
Coding change: c.303C>T on transcript NM_000302.4 (MANE Select); coding-DNA position 303, C replaced by T.
Protein change: p.Ser101=; no amino-acid change (serine 101 retained).
Molecular consequence: synonymous variant.
Genome position (GRCh38, 1-based): chr1:11,950,357, C>T. VCF-style: chr1-11950357-C-T. GRCh37 (hg19) VCF-style: chr1-12010414-C-T.
Other names: p.Ser101=; c.444C>T, p.Ser148= (NM_001316320.2).
Identifiers: ClinVar variation 440168 (VCV000440168.67), dbSNP rs147980436, ClinGen allele CA597869.

ClinVar aggregate classification (germline): Conflicting classifications of pathogenicity. Review status: criteria provided, conflicting classifications (1 of 4 stars). 12 submissions from 12 submitters: Uncertain significance (4); Likely benign (4). 4 of the submissions do not count toward it. Last evaluated 2026-03-16.

Conditions:
Familial thoracic aortic aneurysm and aortic dissection (TAAD). Also called: Thoracic aortic aneurysms and dissections. Identifiers: Orphanet 91387, MedGen C4707243, MONDO:0019625.
Ehlers-Danlos syndrome, kyphoscoliotic type 1 (EDSKSCL1). Also called: Ehlers-Danlos syndrome, hydroxylysine-deficient; EHLERS-DANLOS SYNDROME, OCULAR-SCOLIOTIC TYPE; PLOD1-Related Kyphoscoliotic Ehlers-Danlos Syndrome; EHLERS-DANLOS SYNDROME, TYPE VIA. Identifiers: Orphanet 1900, MedGen C0268342, MONDO:0016002, OMIM 225400. Disease mechanism: loss of function.

Allele frequency attached by ClinVar (database versions not stated): gnomAD 0.00011 and 0.00013; TOPMed 0.00014; gnomAD exomes 0.00016 and 0.00027; ExAC 0.00019; ESP Exome Variant Server 0.00038.
gnomAD v4.1: 402 of 1,613,980 alleles (0.025%); highest among the groups gnomAD compares: Non-Finnish European, 0.034%; no homozygotes.

Submissions (12):

Women's Health and Genetics/Laboratory Corporation of America, LabCorp
Classification: Uncertain significance. Last evaluated: 2026-03-16. Review status: criteria provided, single submitter. Criteria: LabCorp Variant Classification Summary - May 2015. Collection method: clinical testing. Allele origin: germline.
Comment: Variant summary: PLOD1 c.303C>T (p.Ser101Ser) alters a conserved nucleotide located close to a canonical splice site and therefore could affect mRNA splicing, leading to a significantly altered protein sequence. Consensus agreement among computation tools predict no significant impact on normal splicing. However, these predictions have yet to be confirmed by functional studies. The variant allele was found at a frequency of 0.00016 in 249698 control chromosomes. This frequency is not significantly higher than estimated for disease-causing variants in PLOD1, allowing no conclusion about variant significance. To our knowledge, c.303C>T has not been observed in individual(s) affected with Ehlers-Danlos Syndrome Type VI and no experimental evidence demonstrating an impact on protein function have been reported. The following publication has been ascertained in the context of this evaluation (PMID: 35583931). ClinVar contains an entry for this variant (Variation ID: 440168). Based on the evidence outlined above, the variant was classified as uncertain significance.

Mayo Clinic Laboratories, Mayo Clinic
Classification: Likely benign. Last evaluated: 2025-07-09. Review status: criteria provided, single submitter. Criteria: ACMG Guidelines, 2015. Collection method: clinical testing. Allele origin: germline. Observed: 3 variant alleles.
Comment: BP4, BP7

ARUP Laboratories, Molecular Genetics and Genomics, ARUP Laboratories
Classification: Uncertain significance for Ehlers-Danlos syndrome, kyphoscoliotic type 1. Last evaluated: 2024-04-04. Review status: criteria provided, single submitter. Criteria: ARUP Molecular Germline Variant Investigation Process 2024. Collection method: clinical testing. Allele origin: germline.
Comment: The PLOD1 c.303C>T; p.Ser101= variant (rs147980436), to our knowledge, is not reported in the medical literature but is reported in ClinVar (Variation ID: 440168).This variant is found in the non-Finnish European population with an allele frequency of 0.03% (42/127636 alleles) in the Genome Aggregation Database (v2.1.1). This is a synonymous variant and computational analyses (Alamut Visual Plus v.1.5.1) predict that this variant does not alter splicing. However, since this variant is located within the minimal splice region, the clinical significance of this variant is uncertain at this time.

Ambry Genetics
Classification: Likely benign for Familial thoracic aortic aneurysm and aortic dissection. Last evaluated: 2023-07-25. Review status: criteria provided, single submitter. Criteria: Ambry Variant Classification Scheme 2023. Collection method: clinical testing. Allele origin: germline.

Labcorp Genetics (formerly Invitae), Labcorp
Classification: Uncertain significance for Ehlers-Danlos syndrome, kyphoscoliotic type 1. Last evaluated: 2022-10-24. Review status: criteria provided, single submitter. Criteria: Invitae Variant Classification Sherloc (09022015). Collection method: clinical testing. Allele origin: germline.
Comment: This sequence change affects codon 101 of the PLOD1 mRNA. It is a 'silent' change, meaning that it does not change the encoded amino acid sequence of the PLOD1 protein. It affects a nucleotide within the consensus splice site. This variant is present in population databases (rs147980436, gnomAD 0.03%). This variant has not been reported in the literature in individuals affected with PLOD1-related conditions. ClinVar contains an entry for this variant (Variation ID: 440168). Algorithms developed to predict the effect of sequence changes on RNA splicing suggest that this variant is not likely to affect RNA splicing. In summary, the available evidence is currently insufficient to determine the role of this variant in disease. Therefore, it has been classified as a Variant of Uncertain Significance.

CeGaT Center for Human Genetics Tuebingen
Classification: Likely benign. Last evaluated: 2022-07-01. Review status: criteria provided, single submitter. Criteria: CeGaT Center For Human Genetics Tuebingen Variant Classification Criteria Version 2. Collection method: clinical testing. Allele origin: germline. Affected: yes. Observed: 2 variant alleles.
Comment: PLOD1: BP4, BP7

GeneDx
Classification: Likely benign. Last evaluated: 2018-01-22. Review status: criteria provided, single submitter. Criteria: GeneDx Variant Classification (06012015). Collection method: clinical testing. Allele origin: germline. Affected: yes.
Comment: This variant is considered likely benign or benign based on one or more of the following criteria: it is a conservative change, it occurs at a poorly conserved position in the protein, it is predicted to be benign by multiple in silico algorithms, and/or has population frequency not consistent with disease.

Illumina Laboratory Services, Illumina
Classification: Uncertain significance for Ehlers-Danlos syndrome, kyphoscoliotic type 1. Last evaluated: 2018-01-13. Review status: criteria provided, single submitter. Criteria: ICSL Variant Classification Criteria 13 December 2019. Collection method: clinical testing. Allele origin: germline.

Diagnostic Laboratory, Department of Genetics, University Medical Center Groningen
Classification: Likely benign. Review status: no assertion criteria provided. Collection method: clinical testing. Allele origin: germline. Affected: yes. Study: VKGL Data-share Consensus. Not counted in ClinVar's aggregate classification.

Genome Diagnostics Laboratory, Amsterdam University Medical Center
Classification: Likely benign. Review status: no assertion criteria provided. Collection method: clinical testing. Allele origin: germline. Affected: yes. Study: VKGL Data-share Consensus. Not counted in ClinVar's aggregate classification.

Genome Diagnostics Laboratory, University Medical Center Utrecht
Classification: Likely benign. Review status: no assertion criteria provided. Collection method: clinical testing. Allele origin: germline. Affected: yes. Study: VKGL Data-share Consensus. Not counted in ClinVar's aggregate classification.

Joint Genome Diagnostic Labs from Nijmegen and Maastricht, Radboudumc and MUMC+
Classification: Likely benign. Review status: no assertion criteria provided. Collection method: clinical testing. Allele origin: germline. Affected: yes. Study: VKGL Data-share Consensus. Not counted in ClinVar's aggregate classification.

Literature cited by the submitters: PubMed 35583931 (cited by Women's Health and Genetics/Laboratory Corporation of America, LabCorp).